The following is an entry in ClinVar:

ClinVar aggregate classification (germline): Uncertain significance (1 of 4 stars; one submission).

Conditions:
Infantile neuroaxonal dystrophy (NBIA2A). Also called: NEURODEGENERATION WITH BRAIN IRON ACCUMULATION 2A; SEITELBERGER DISEASE; Infantile neuroaxonal dystrophy 1. Identifiers: Orphanet 35069, MedGen C0270724, MONDO:0024457, OMIM 256600.

Submission:

Labcorp Genetics (formerly Invitae), Labcorp
Classification: Uncertain significance for Infantile neuroaxonal dystrophy. Last evaluated: 2022-03-10. Review status: criteria provided, single submitter. Criteria: Invitae Variant Classification Sherloc (09022015). Collection method: clinical testing. Allele origin: germline.
Comment: This sequence change replaces leucine, which is neutral and non-polar, with arginine, which is basic and polar, at codon 7 of the PLA2G6 protein (p.Leu7Arg). This variant is not present in population databases (gnomAD no frequency). This variant has not been reported in the literature in individuals affected with PLA2G6-related conditions. Advanced modeling of protein sequence and biophysical properties (such as structural, functional, and spatial information, amino acid conservation, physicochemical variation, residue mobility, and thermodynamic stability) performed at Invitae indicates that this missense variant is expected to disrupt PLA2G6 protein function. In summary, the available evidence is currently insufficient to determine the role of this variant in disease. Therefore, it has been classified as a Variant of Uncertain Significance.

NM_003560.4(PLA2G6):c.20T>G (p.Leu7Arg)

Gene: PLA2G6 (phospholipase A2 group VI; minus strand). Cytogenetic location: 22q13.1.
Variant type: single nucleotide variant.
Coding change: c.20T>G on transcript NM_003560.4 (MANE Select); coding-DNA position 20, T replaced by G.
Protein change: p.Leu7Arg; replaces leucine 7 with arginine.
Molecular consequence: missense variant. On other transcripts: 5 prime UTR variant (3).
Genome position (GRCh38, 1-based): chr22:38,169,407, A>C on the plus strand (T>G on the coding strand, the complement: PLA2G6 is on the minus strand). VCF-style: chr22-38169407-A-C. GRCh37 (hg19) VCF-style: chr22-38565414-A-C.
Other names: c.20T>G, p.Leu7Arg (NM_001004426.3, NM_001199562.3, NM_001349864.2 and 2 more transcripts); c.-646T>G (NM_001349867.2, NM_001349869.2); c.-471T>G (NM_001349868.2); short protein forms L7R.
Identifiers: ClinVar variation 1944992 (VCV001944992.5), dbSNP rs2518165133, ClinGen allele CA411521143.